The following is an entry in ClinVar:

NM_001126108.2(SLC12A3):c.803T>A (p.Val268Asp)

Gene: SLC12A3 (solute carrier family 12 member 3; plus strand). Cytogenetic location: 16q13.
Variant type: single nucleotide variant.
Coding change: c.803T>A on transcript NM_001126108.2 (MANE Select); coding-DNA position 803, T replaced by A.
Protein change: p.Val268Asp; replaces valine 268 with aspartic acid.
Molecular consequence: missense variant.
Genome position (GRCh38, 1-based): chr16:56,870,687, T>A. VCF-style: chr16-56870687-T-A. GRCh37 (hg19) VCF-style: chr16-56904599-T-A.
Other names: c.803T>A, p.Val268Asp (NM_000339.3); c.800T>A, p.Val267Asp (NM_001126107.2, NM_001410896.1); short protein forms V267D, V268D.
Identifiers: ClinVar variation 2223652 (VCV002223652.4), dbSNP rs1051681930, ClinGen allele CA281497072.
Genomic context (GRCh38, chr16:56,870,687, plus strand): 5'-AGTATGGGGCACCCATCGTGGACCCCATTAACGACATCCGCATCATTGCCGTGGTCTCGG[T>A]CACTGTGCTGCTGGCCATCTCCCTGGCTGGCATGGAGTGGGAGTCCAAGGTGAGGAGGCC-3'
Protein context (NP_001119580.2, residues 258-278): NDIRIIAVVS[Val268Asp]TVLLAISLAG

ClinVar aggregate classification (germline): Uncertain significance. Review status: criteria provided, multiple submitters, no conflicts (2 of 4 stars). 3 submissions from 3 submitters: Uncertain significance (3). Last evaluated 2025-10-08.

Conditions:
Inborn genetic diseases. Identifiers: MedGen C0950123, MeSH D030342.

Allele frequency attached by ClinVar (database versions not stated): gnomAD exomes 0.00001; gnomAD 0.00001.
gnomAD v4.1: 9 of 1,613,840 alleles (0.00056%); highest among the groups gnomAD compares: Middle Eastern, 0.033%; no homozygotes.

Submissions (3):

Labcorp Genetics (formerly Invitae), Labcorp
Classification: Uncertain significance. Last evaluated: 2025-10-08. Review status: criteria provided, single submitter. Criteria: Invitae Variant Classification Sherloc (09022015). Collection method: clinical testing. Allele origin: germline.
Comment: This sequence change replaces valine, which is neutral and non-polar, with aspartic acid, which is acidic and polar, at codon 268 of the SLC12A3 protein (p.Val268Asp). This variant is present in population databases (no rsID available, gnomAD 0.003%). This variant has not been reported in the literature in individuals affected with SLC12A3-related conditions. ClinVar contains an entry for this variant (Variation ID: 2223652). Invitae Evidence Modeling of protein sequence and biophysical properties (such as structural, functional, and spatial information, amino acid conservation, physicochemical variation, residue mobility, and thermodynamic stability) indicates that this missense variant is expected to disrupt SLC12A3 protein function with a positive predictive value of 95%. In summary, the available evidence is currently insufficient to determine the role of this variant in disease. Therefore, it has been classified as a Variant of Uncertain Significance.

GeneDx
Classification: Uncertain significance. Last evaluated: 2023-07-26. Review status: criteria provided, single submitter. Criteria: GeneDx Variant Classification Process June 2021. Collection method: clinical testing. Allele origin: germline. Affected: yes.
Comment: Not observed at significant frequency in large population cohorts (gnomAD); In silico analysis supports that this missense variant has a deleterious effect on protein structure/function; Has not been previously published as pathogenic or benign to our knowledge

Ambry Genetics
Classification: Uncertain significance for Inborn genetic diseases. Last evaluated: 2021-07-06. Review status: criteria provided, single submitter. Criteria: Ambry Variant Classification Scheme 2023. Collection method: clinical testing. Allele origin: germline.